The following is an entry in ClinVar:

NM_018671.5(UNC45A):c.1457A>G (p.Tyr486Cys)

Gene: UNC45A (unc-45 myosin chaperone A; plus strand). Cytogenetic location: 15q26.1.
Variant type: single nucleotide variant.
Coding change: c.1457A>G on transcript NM_018671.5 (MANE Select); coding-DNA position 1457, A replaced by G.
Protein change: p.Tyr486Cys; replaces tyrosine 486 with cysteine.
Molecular consequence: missense variant.
Genome position (GRCh38, 1-based): chr15:90,946,871, A>G. VCF-style: chr15-90946871-A-G. GRCh37 (hg19) VCF-style: chr15-91490101-A-G.
Other names: c.1412A>G, p.Tyr471Cys (NM_001039675.2, NM_001323621.2); c.1457A>G, p.Tyr486Cys (NM_001323619.1); c.1022A>G, p.Tyr341Cys (NM_001323620.2); short protein forms Y341C, Y486C, Y471C.
Identifiers: ClinVar variation 1491261 (VCV001491261.7), dbSNP rs368628001, ClinGen allele CA7742906.

ClinVar aggregate classification (germline): Uncertain significance (1 of 4 stars; one submission).

Allele frequency attached by ClinVar (database versions not stated): ExAC 0.00001; gnomAD exomes 0.00001 and 0.00002; gnomAD 0.00004; TOPMed 0.00005; ESP Exome Variant Server 0.00008.
gnomAD v4.1: 40 of 1,611,614 alleles (0.0025%); highest among the groups gnomAD compares: Middle Eastern, 0.017%; no homozygotes.

Submission:

Labcorp Genetics (formerly Invitae), Labcorp
Classification: Uncertain significance. Last evaluated: 2023-12-18. Review status: criteria provided, single submitter. Criteria: Invitae Variant Classification Sherloc (09022015). Collection method: clinical testing. Allele origin: germline.
Comment: This sequence change replaces tyrosine, which is neutral and polar, with cysteine, which is neutral and slightly polar, at codon 486 of the UNC45A protein (p.Tyr486Cys). This variant is present in population databases (rs368628001, gnomAD 0.003%). This variant has not been reported in the literature in individuals affected with UNC45A-related conditions. ClinVar contains an entry for this variant (Variation ID: 1491261). Advanced modeling of protein sequence and biophysical properties (such as structural, functional, and spatial information, amino acid conservation, physicochemical variation, residue mobility, and thermodynamic stability) performed at Invitae indicates that this missense variant is expected to disrupt UNC45A protein function with a positive predictive value of 80%. Algorithms developed to predict the effect of sequence changes on RNA splicing suggest that this variant may disrupt the consensus splice site. In summary, the available evidence is currently insufficient to determine the role of this variant in disease. Therefore, it has been classified as a Variant of Uncertain Significance.